The following is an entry in ClinVar:

NM_031448.6(C19orf12):c.-10G>C

Gene: C19orf12 (chromosome 19 open reading frame 12; minus strand). Cytogenetic location: 19q12.
Variant type: single nucleotide variant.
Coding change: c.-10G>C on transcript NM_031448.6 (MANE Select); 10 bases upstream of the start codon, G replaced by C.
Molecular consequence: 5 prime UTR variant. On other transcripts: intron variant (2).
Genome position (GRCh38, 1-based): chr19:29,708,423, C>G on the plus strand (G>C on the coding strand, the complement: C19orf12 is on the minus strand). VCF-style: chr19-29708423-C-G. GRCh37 (hg19) VCF-style: chr19-30199330-C-G.
Other names: c.-10G>C (NM_001031726.4, NM_001256046.3, NM_001256047.2); c.-323G>C (NM_001282931.3); c.-32-5446G>C (NM_001282929.1, NM_001282930.3); short protein forms K8N.
Identifiers: ClinVar variation 617482 (VCV000617482.2), dbSNP rs1424291552, ClinGen allele CA405146041.

ClinVar aggregate classification (germline): Pathogenic (0 of 4 stars; one submission).

Conditions:
Neurodegeneration with brain iron accumulation 4 (NBIA4). Also called: MITOCHONDRIAL PROTEIN-ASSOCIATED NEURODEGENERATION. Identifiers: Orphanet 289560, MedGen C3280371, MONDO:0013674, OMIM 614298. Disease mechanism: loss of function.

Submission:

Aziz Sancar Institute of Experimental Medicine, Istanbul University
Classification: Pathogenic for Neurodegeneration with brain iron accumulation 4. Last evaluated: 2018-12-06. Review status: no assertion criteria provided. Collection method: clinical testing. Allele origin: germline. Inheritance: Autosomal recessive inheritance. Affected: yes. Observed: 1 compound heterozygote.
Comment: The patients showed disease progression with dystonia and spasticity predominantly in lower limbs. They also have parkinsonism, optic atrophy and progressive cognitive impairment.